The following is an entry in ClinVar:

NM_000245.4(MET):c.78T>C (p.Cys26=)

Gene: MET (MET proto-oncogene, receptor tyrosine kinase; plus strand). Cytogenetic location: 7q31.2.
Variant type: single nucleotide variant.
Coding change: c.78T>C on transcript NM_000245.4 (MANE Select); coding-DNA position 78, T replaced by C.
Protein change: p.Cys26=; no amino-acid change (cysteine 26 retained).
Molecular consequence: synonymous variant. On other transcripts: intron variant (1).
Genome position (GRCh38, 1-based): chr7:116,699,162, T>C. VCF-style: chr7-116699162-T-C. GRCh37 (hg19) VCF-style: chr7-116339216-T-C.
Other names: c.78T>C, p.Cys26= (NM_001127500.3, NM_001324401.3); c.-91+26585T>C (NM_001324402.2).
Identifiers: ClinVar variation 3773403 (VCV003773403.2).

ClinVar aggregate classification (germline): Benign/Likely benign. Review status: criteria provided, multiple submitters, no conflicts (2 of 4 stars). 2 submissions from 2 submitters: Benign (1); Likely benign (1). Last evaluated 2025-10-07.

Conditions:
Renal cell carcinoma. Identifiers: Orphanet 217071, MedGen C0007134, MeSH D002292, MONDO:0005086, HP:0005584.
Papillary renal cell carcinoma type 1 (RCCP1). Also called: Renal adenocarcinoma; Renal cell carcinoma 1; Renal cell carcinoma, somatic; RENAL CELL CARCINOMA, PAPILLARY, 1, SOMATIC. Identifiers: Orphanet 47044, MedGen C1336839, OMIM 605074, HP:0011797.

Submissions (2):

Labcorp Genetics (formerly Invitae), Labcorp
Classification: Likely benign for Renal cell carcinoma. Last evaluated: 2025-10-07. Review status: criteria provided, single submitter. Criteria: Invitae Variant Classification Sherloc (09022015). Collection method: clinical testing. Allele origin: germline.

Myriad Genetics, Inc.
Classification: Benign for Papillary renal cell carcinoma type 1. Last evaluated: 2024-11-05. Review status: criteria provided, single submitter. Criteria: Myriad Autosomal Dominant, Autosomal Recessive and X-Linked Classification Criteria (2023). Collection method: clinical testing. Allele origin: unknown.
Comment: This variant is considered benign. This variant is a silent/synonymous amino acid change and it is not expected to impact splicing.